The following is an entry in ClinVar:

NC_000015.9:g.(?_82456174)_(82554119_?)dup

Gene: EFL1 (elongation factor like GTPase 1; minus strand). Cytogenetic location: 15q25.2.
Variant type: Duplication.
Identifiers: ClinVar variation 2426835 (VCV002426835.3).

ClinVar aggregate classification (germline): Uncertain significance (1 of 4 stars; one submission).

Submission:

Labcorp Genetics (formerly Invitae), Labcorp
Classification: Uncertain significance. Last evaluated: 2022-10-08. Review status: criteria provided, single submitter. Criteria: Invitae Variant Classification Sherloc (09022015). Collection method: clinical testing. Allele origin: germline.
Comment: This variant results in a copy number gain of the genomic region encompassing exon(s) 2-16 of the EFL1 gene. This region includes the initiator codon of the gene. This copy number gain extends beyond the assayed region for this gene and therefore may encompass additional genes. As the precise location of this event is unknown, it may be in tandem or it may be located elsewhere in the genome. This variant has not been reported in the literature in individuals affected with EFL1-related conditions. Experimental studies and prediction algorithms are not available or were not evaluated, and the functional significance of this variant is currently unknown. In summary, the available evidence is currently insufficient to determine the role of this variant in disease. Therefore, it has been classified as a Variant of Uncertain Significance.